The following is an entry in ClinVar:

NM_001370298.3(FGD4):c.2047-7T>C

Gene: FGD4 (FYVE, RhoGEF and PH domain containing 4; plus strand). Cytogenetic location: 12p11.21.
Variant type: single nucleotide variant.
Coding change: c.2047-7T>C on transcript NM_001370298.3 (MANE Select); 7 bases into the intron before coding-DNA position 2047, T replaced by C.
Molecular consequence: intron variant.
Genome position (GRCh38, 1-based): chr12:32,625,647, T>C. VCF-style: chr12-32625647-T-C. GRCh37 (hg19) VCF-style: chr12-32778581-T-C.
Other names: p.?; c.2047-7T>C (NM_001384126.1); c.1891-7T>C (NM_001304481.2); c.1357-7T>C (NM_001330374.2, NM_001330373.2, NM_001384130.1); c.1636-7T>C (NM_139241.3, NM_001384127.1, NM_001385118.1 and 1 more transcripts); c.604-7T>C (NM_001304484.2); c.1084-7T>C (NM_001370297.1); c.892-7T>C (NM_001304483.2).
Identifiers: ClinVar variation 308299 (VCV000308299.21), dbSNP rs11052113, ClinGen allele CA6506983.

ClinVar aggregate classification (germline): Benign. Review status: criteria provided, multiple submitters, no conflicts (2 of 4 stars). 7 submissions from 7 submitters: Benign (7). Last evaluated 2026-02-04.

Conditions:
Charcot-Marie-Tooth disease type 4. Also called: Charcot-Marie-Tooth disease, type IV; Charcot-Marie-Tooth, Type 4. Identifiers: Orphanet 64749, MedGen C4082197, MONDO:0018995.
Charcot-Marie-Tooth disease type 4H (CMT4H). Also called: CHARCOT-MARIE-TOOTH DISEASE, AUTOSOMAL RECESSIVE, TYPE 4H; CHARCOT-MARIE-TOOTH DISEASE, DEMYELINATING, AUTOSOMAL RECESSIVE, TYPE 4H; CHARCOT-MARIE-TOOTH NEUROPATHY, TYPE 4H; CHARCOT-MARIE-TOOTH DISEASE, DEMYELINATING, TYPE 4H. Identifiers: Orphanet 99954, MedGen C1836336, MONDO:0012250, OMIM 609311.
Charcot-Marie-Tooth disease. Also called: Charcot-Marie-Tooth Neuropathy; Charcot-Marie-Tooth Hereditary Neuropathy. Identifiers: Orphanet 166, MedGen C0007959, MONDO:0015626.

Allele frequency attached by ClinVar (database versions not stated): gnomAD exomes 0.13146; ExAC 0.13177; ESP Exome Variant Server 0.13263; 1000 Genomes Project 0.14018; 1000 Genomes Project 30x 0.14710; gnomAD 0.15104 and 0.15340; TOPMed 0.16372.
gnomAD v4.1: 220,731 of 1,613,064 alleles (14%); highest among the groups gnomAD compares: African/African-American, 23%; 16,562 homozygotes.

Submissions (7):

Labcorp Genetics (formerly Invitae), Labcorp
Classification: Benign for Charcot-Marie-Tooth disease type 4. Last evaluated: 2026-02-04. Review status: criteria provided, single submitter. Criteria: Invitae Variant Classification Sherloc (09022015). Collection method: clinical testing. Allele origin: germline.

Illumina Laboratory Services, Illumina
Classification: Benign for Charcot-Marie-Tooth disease type 4H. Last evaluated: 2018-01-12. Review status: criteria provided, single submitter. Criteria: ICSL Variant Classification Criteria 13 December 2019. Collection method: clinical testing. Allele origin: germline.
Comment: This variant was observed in the ICSL laboratory as part of a predisposition screen in an ostensibly healthy population. It had not been previously curated by ICSL or reported in the Human Gene Mutation Database (HGMD: prior to June 1st, 2018), and was therefore a candidate for classification through an automated scoring system. Utilizing variant allele frequency, disease prevalence and penetrance estimates, and inheritance mode, an automated score was calculated to assess if this variant is too frequent to cause the disease. Based on the score and internal cut-off values, a variant classified as benign is not then subjected to further curation. The score for this variant resulted in a classification of benign for this disease.

Athena Diagnostics
Classification: Benign. Last evaluated: 2017-07-12. Review status: criteria provided, single submitter. Criteria: Athena Diagnostics Criteria. Collection method: clinical testing. Allele origin: germline.

Mayo Clinic Laboratories, Mayo Clinic
Classification: Benign. Last evaluated: 2016-03-02. Review status: criteria provided, single submitter. Criteria: ACMG Guidelines, 2015. Collection method: clinical testing. Allele origin: germline. Observed: 516 variant alleles.

GeneDx
Classification: Benign. Last evaluated: 2015-03-03. Review status: criteria provided, single submitter. Criteria: GeneDx Variant Classification Process June 2021. Collection method: clinical testing. Allele origin: germline. Affected: yes.

Breakthrough Genomics
Classification: Benign. Review status: criteria provided, single submitter. Criteria: ACMG Guidelines, 2015. Collection method: not provided. Allele origin: germline. Inheritance: Autosomal recessive inheritance. Affected: yes.

Molecular Genetics Laboratory, London Health Sciences Centre
Classification: Benign for Charcot-Marie-Tooth disease. Review status: criteria provided, single submitter. Criteria: ACMG Guidelines, 2015. Collection method: clinical testing. Allele origin: germline. Affected: yes.